The following is an entry in ClinVar:

NM_000379.4(XDH):c.1796G>A (p.Arg599His)

Gene: XDH (xanthine dehydrogenase; minus strand). Cytogenetic location: 2p23.1.
Variant type: single nucleotide variant.
Coding change: c.1796G>A on transcript NM_000379.4 (MANE Select); coding-DNA position 1796, G replaced by A.
Protein change: p.Arg599His; replaces arginine 599 with histidine.
Molecular consequence: missense variant.
Genome position (GRCh38, 1-based): chr2:31,372,288, C>T on the plus strand (G>A on the coding strand, the complement: XDH is on the minus strand). VCF-style: chr2-31372288-C-T. GRCh37 (hg19) VCF-style: chr2-31595154-C-T.
Other names: c.1796G>A (NM_000379.3); short protein forms R599H.
Identifiers: ClinVar variation 1367709 (VCV001367709.10), dbSNP rs200795066, ClinGen allele CA1599080.
Genomic context (GRCh38, chr2:31,372,288, plus strand): 5'-TTGATCTTGGCGTGGGCCCGGGTGCTGGTGACCAGCCGGAGAGACAGCTCATTCTCGTAG[C>T]GAGGAATGTCGTCACAGTACACGGCCTCACCAGAGGCCTGCATGTCCGCTGCCAGGTGGG-3'
Protein context (NP_000370.2, residues 589-609): GEAVYCDDIP[Arg599His]YENELSLRLV

ClinVar aggregate classification (germline): Uncertain significance. Review status: criteria provided, multiple submitters, no conflicts (2 of 4 stars). 4 submissions from 4 submitters: Uncertain significance (4). Last evaluated 2024-05-08.

Conditions:
Xanthinuria type II. Also called: Xanthine dehydrogenase and aldehyde oxidase combined deficiency of; XDH and AOX dual deficiency. Identifiers: Orphanet 3467, Orphanet 93602, MedGen C1863688, MONDO:0011346, OMIM 603592.
Inborn genetic diseases. Identifiers: MedGen C0950123, MeSH D030342.
Hereditary xanthinuria type 1 (XAN1). Identifiers: Orphanet 3467, Orphanet 93601, MedGen C0268118, MONDO:0010209, OMIM 278300.

Allele frequency attached by ClinVar (database versions not stated): gnomAD 0.00006 and 0.00011; gnomAD exomes 0.00007 and 0.00010; ExAC 0.00008; ESP Exome Variant Server 0.00008; TOPMed 0.00009; 1000 Genomes Project 30x 0.00031; 1000 Genomes Project 0.00040.

Submissions (4):

Ambry Genetics
Classification: Uncertain significance for Inborn genetic diseases. Last evaluated: 2024-05-08. Review status: criteria provided, single submitter. Criteria: Ambry Variant Classification Scheme 2023. Collection method: clinical testing. Allele origin: germline.

Fulgent Genetics
Classification: Uncertain significance for Hereditary xanthinuria type 1. Last evaluated: 2024-01-17. Review status: criteria provided, single submitter. Criteria: ACMG Guidelines, 2015. Collection method: clinical testing. Allele origin: germline.

Labcorp Genetics (formerly Invitae), Labcorp
Classification: Uncertain significance for Xanthinuria type II. Last evaluated: 2022-02-23. Review status: criteria provided, single submitter. Criteria: Invitae Variant Classification Sherloc (09022015). Collection method: clinical testing. Allele origin: germline.
Comment: This sequence change replaces arginine, which is basic and polar, with histidine, which is basic and polar, at codon 599 of the XDH protein (p.Arg599His). This variant is present in population databases (rs200795066, gnomAD 0.04%). This variant has not been reported in the literature in individuals affected with XDH-related conditions. Algorithms developed to predict the effect of missense changes on protein structure and function output the following: SIFT: "Tolerated"; PolyPhen-2: "Benign"; Align-GVGD: "Class C0". The histidine amino acid residue is found in multiple mammalian species, which suggests that this missense change does not adversely affect protein function. In summary, the available evidence is currently insufficient to determine the role of this variant in disease. Therefore, it has been classified as a Variant of Uncertain Significance.

Breakthrough Genomics
Classification: Uncertain significance. Review status: criteria provided, single submitter. Criteria: ACMG Guidelines, 2015. Collection method: not provided. Allele origin: germline. Inheritance: Autosomal recessive inheritance. Affected: yes.